The following is an entry in ClinVar:

ClinVar aggregate classification (germline): Likely pathogenic (1 of 4 stars; one submission).

Conditions:
Familial adenomatous polyposis 2. Also called: COLORECTAL ADENOMATOUS POLYPOSIS, AUTOSOMAL RECESSIVE; ADENOMAS, MULTIPLE COLORECTAL, AUTOSOMAL RECESSIVE; MYH-associated polyposis; FAP type 2; MUTYH-associated polyposis; MUTYH Polyposis. Identifiers: Orphanet 220460, Orphanet 247798, MedGen C3272841, MONDO:0012041, OMIM 608456.

Submission:

Myriad Genetics, Inc.
Classification: Likely pathogenic for Familial adenomatous polyposis 2. Last evaluated: 2026-07-15. Review status: criteria provided, single submitter. Criteria: Myriad Autosomal Dominant, Autosomal Recessive and X-Linked Classification Criteria (2023). Collection method: clinical testing. Allele origin: unknown.
Comment: This variant is considered likely pathogenic. Functional studies indicate this variant impacts protein function [PMID: 40738107]. This variant is expected to disrupt protein structure [Myriad internal data].

Literature cited by the submitters: PubMed 40738107.

NM_001048174.2(MUTYH):c.629_633delinsTCGTT (p.Asn210Ile)

Gene: MUTYH (mutY DNA glycosylase; minus strand). Cytogenetic location: 1p34.1.
Variant type: Indel.
Coding change: c.629_633delinsTCGTT on transcript NM_001048174.2 (MANE Select); coding-DNA positions 629 to 633, ACGTA replaced by TCGTT.
Protein change: p.Asn210Ile; replaces asparagine 210 with isoleucine.
Molecular consequence: missense variant. On other transcripts: non-coding transcript variant (7).
Genome position (GRCh38, 1-based): chr1:45,332,462-45,332,466, TACGT replaced by AACGA on the plus strand (ACGTA replaced by TCGTT on the coding strand, the reverse complement: MUTYH is on the minus strand). VCF-style: chr1-45332462-TACGT-AACGA. GRCh37 (hg19) VCF-style: chr1-45798134-TACGT-AACGA.
Other names: c.629_633delinsTCGTT, p.Asn210Ile (NM_001048171.2, NM_001048173.2, NM_001293195.2 and 6 more transcripts); c.632_636delinsTCGTT, p.Asn211Ile (NM_001048172.2, NM_001407071.1, NM_001407078.1 and 1 more transcripts); c.713_717delinsTCGTT, p.Asn238Ile (NM_001128425.2); c.674_678delinsTCGTT, p.Asn225Ile (NM_001293190.2); c.662_666delinsTCGTT, p.Asn221Ile (NM_001293191.2, NM_001407069.1, NM_001407077.1); c.353_357delinsTCGTT, p.Asn118Ile (NM_001293192.2, NM_001293196.2, NM_001407091.1); c.284_288delinsTCGTT, p.Asn95Ile (NM_001350650.2, NM_001350651.2, NM_001407082.1); c.545_549delinsTCGTT, p.Asn182Ile (NM_001407075.1); and 5 more; short protein forms N118I, N182I, N196I, N197I, N210I, N211I, N217I, N221I.
Identifiers: ClinVar variation 5042472 (VCV005042472.1).
Genomic context (GRCh38, chr1:45,332,462, plus strand): 5'-GGAAACAAGGGTGCTGCTGGGATCAGCACCAATGGCTCGGACACGGCACAGCACCCGTGC[TACGT>AACGA]TGCCATCCACCACACCGGTTGCCTGGCACAGAGGGGCCAAAGAGTTAGCCTGGGCTGGGA-3'
Protein context (NP_001041639.1, residues 200-220): FGQATGVVDG[Asn210Ile]VARVLCRVRA